The following is an entry in ClinVar:

NM_021939.4(FKBP10):c.642G>A (p.Met214Ile)

Gene: FKBP10 (FKBP prolyl isomerase 10; plus strand). Cytogenetic location: 17q21.2.
Variant type: single nucleotide variant.
Coding change: c.642G>A on transcript NM_021939.4 (MANE Select); coding-DNA position 642, G replaced by A.
Protein change: p.Met214Ile; replaces methionine 214 with isoleucine.
Molecular consequence: missense variant.
Genome position (GRCh38, 1-based): chr17:41,818,442, G>A. VCF-style: chr17-41818442-G-A. GRCh37 (hg19) VCF-style: chr17-39974694-G-A.
Other names: short protein forms M214I.
Identifiers: ClinVar variation 1500209 (VCV001500209.8), dbSNP rs2144056729, ClinGen allele CA399514881.

ClinVar aggregate classification (germline): Uncertain significance (1 of 4 stars; one submission).

Submission:

Labcorp Genetics (formerly Invitae), Labcorp
Classification: Uncertain significance. Last evaluated: 2021-03-04. Review status: criteria provided, single submitter. Criteria: Invitae Variant Classification Sherloc (09022015). Collection method: clinical testing. Allele origin: germline.
Comment: This sequence change replaces methionine with isoleucine at codon 214 of the FKBP10 protein (p.Met214Ile). The methionine residue is moderately conserved and there is a small physicochemical difference between methionine and isoleucine. This variant is not present in population databases (ExAC no frequency). This variant has not been reported in the literature in individuals with FKBP10-related conditions. Algorithms developed to predict the effect of missense changes on protein structure and function are either unavailable or do not agree on the potential impact of this missense change (SIFT: "Tolerated"; PolyPhen-2: "Probably Damaging"; Align-GVGD: "Class C0"). In summary, the available evidence is currently insufficient to determine the role of this variant in disease. Therefore, it has been classified as a Variant of Uncertain Significance.